The following is an entry in ClinVar:

ClinVar aggregate classification (germline): Benign/Likely benign. Review status: criteria provided, multiple submitters, no conflicts (2 of 4 stars). 3 submissions from 3 submitters: Benign (1); Likely benign (2). Last evaluated 2025-11-10.

Allele frequency attached by ClinVar (database versions not stated): gnomAD exomes 0.00073 and 0.00199; ExAC 0.00288; gnomAD 0.00761 and 0.00821; ESP Exome Variant Server 0.00823; TOPMed 0.00843; 1000 Genomes Project 0.01018; 1000 Genomes Project 30x 0.01140.
gnomAD v4.1: 2,268 of 1,614,154 alleles (0.14%); highest among the groups gnomAD compares: African/African-American, 2.7%; 25 homozygotes.

Submissions (3):

Labcorp Genetics (formerly Invitae), Labcorp
Classification: Benign. Last evaluated: 2025-11-10. Review status: criteria provided, single submitter. Criteria: Invitae Variant Classification Sherloc (09022015). Collection method: clinical testing. Allele origin: germline.

GeneDx
Classification: Likely benign. Last evaluated: 2024-02-06. Review status: criteria provided, single submitter. Criteria: GeneDx Variant Classification Process June 2021. Collection method: clinical testing. Allele origin: germline. Affected: yes.
Comment: See Variant Classification Assertion Criteria.

Breakthrough Genomics
Classification: Likely benign. Review status: criteria provided, single submitter. Criteria: ACMG Guidelines, 2015. Collection method: not provided. Allele origin: germline. Inheritance: Autosomal recessive inheritance. Affected: yes.

NM_016343.4(CENPF):c.1243A>C (p.Ile415Leu)

Gene: CENPF (centromere protein F; plus strand). Cytogenetic location: 1q41.
Variant type: single nucleotide variant.
Coding change: c.1243A>C on transcript NM_016343.4 (MANE Select); coding-DNA position 1243, A replaced by C.
Protein change: p.Ile415Leu; replaces isoleucine 415 with leucine.
Molecular consequence: missense variant.
Genome position (GRCh38, 1-based): chr1:214,630,582, A>C. VCF-style: chr1-214630582-A-C. GRCh37 (hg19) VCF-style: chr1-214803925-A-C.
Other names: short protein forms I415L.
Identifiers: ClinVar variation 775663 (VCV000775663.13), dbSNP rs61999278, ClinGen allele CA1389984.
Genomic context (GRCh38, chr1:214,630,582, plus strand): 5'-TTTGTTTTTCAGGAGCTCTCCCGTCAACAGCGTTCTTTCCAAACACTGGACCAGGAGTGC[A>C]TCCAGATGAAGGCCAGACTCACCCAGGAGTTACAGCAAGCCAAGAATATGCACAACGTCC-3'
Protein context (NP_057427.3, residues 405-425): RSFQTLDQEC[Ile415Leu]QMKARLTQEL